The following is an entry in ClinVar:

ClinVar aggregate classification (germline): Pathogenic (0 of 4 stars; one submission).

Conditions:
Glycogen storage disease, type IV (GSD4). Also called: AMYLOPECTINOSIS; ANDERSEN DISEASE; CIRRHOSIS, FAMILIAL, WITH DEPOSITION OF ABNORMAL GLYCOGEN; GBE1 DEFICIENCY; GLYCOGEN BRANCHING ENZYME DEFICIENCY; GLYCOGENOSIS IV. Identifiers: Orphanet 367, MedGen C0017923, MONDO:0009292, OMIM 232500.

Submission:

GeneReviews
Classification: Pathogenic for Adult Polyglucosan Body Disease. Last evaluated: 2009-04-02. Review status: no assertion criteria provided. Collection method: curation. Allele origin: unknown.
ClinVar note: Converted during submission from pathologic to Pathogenic.

c.[708G>C]+[784C>T]

Variant type: Variation.
Identifiers: ClinVar variation 65918 (VCV000065918.3).